The following is an entry in ClinVar:

ClinVar aggregate classification (germline): Uncertain significance. Review status: criteria provided, multiple submitters, no conflicts (2 of 4 stars). 2 submissions from 2 submitters: Uncertain significance (2). Last evaluated 2019-05-08.

Conditions:
Inborn genetic diseases. Identifiers: MedGen C0950123, MeSH D030342.

Allele frequency attached by ClinVar (database versions not stated): gnomAD exomes below 0.00001; TOPMed below 0.00001.
gnomAD v4.1: 6 of 1,613,734 alleles (0.00037%); highest among the groups gnomAD compares: Non-Finnish European, 0.00051%; no homozygotes.

Submissions (2):

Athena Diagnostics
Classification: Uncertain significance. Last evaluated: 2019-05-08. Review status: criteria provided, single submitter. Criteria: Athena Diagnostics Criteria. Collection method: clinical testing. Allele origin: germline.

Ambry Genetics
Classification: Uncertain significance for Hereditary disease. Last evaluated: 2015-01-20. Review status: criteria provided, single submitter. Criteria: ambry_reporting_categories_2017. Collection method: clinical testing. Allele origin: germline. Affected: yes. Observed: 1 heterozygote. Segregation with disease observed.
Comment: Lines of evidence used in support of classification: CANDIDATE: Alteration(s) of Potential Clinical Relevance Detected

NM_002739.5(PRKCG):c.1706A>G (p.Glu569Gly)

Gene: PRKCG (protein kinase C gamma; plus strand). Cytogenetic location: 19q13.42.
Variant type: single nucleotide variant.
Coding change: c.1706A>G on transcript NM_002739.5 (MANE Select); coding-DNA position 1706, A replaced by G.
Protein change: p.Glu569Gly; replaces glutamic acid 569 with glycine.
Molecular consequence: missense variant.
Genome position (GRCh38, 1-based): chr19:53,904,684, A>G. VCF-style: chr19-53904684-A-G. GRCh37 (hg19) VCF-style: chr19-54407938-A-G.
Other names: c.1706A>G (LRG_669t1); c.1706A>G, p.Glu569Gly (NM_001316329.2); short protein forms E569G.
Identifiers: ClinVar variation 520558 (VCV000520558.4), dbSNP rs1461447265, ClinGen allele CA407419855.
Genomic context (GRCh38, chr19:53,904,684, plus strand): 5'-CACTTTGATAGCCTCCCTTCGATGGGGAGGACGAGGAGGAGCTGTTTCAGGCCATCATGG[A>G]ACAAACTGTCACCTACCCCAAGTCGCTTTCCCGGGAAGCCGTGGCCATCTGCAAGGGGGT-3'
Protein context (NP_002730.1, residues 559-579): DEEELFQAIM[Glu569Gly]QTVTYPKSLS